The following is an entry in ClinVar:

NM_000397.4(CYBB):c.525dup (p.Gly176fs)

Gene: CYBB (cytochrome b-245 beta chain; plus strand). Cytogenetic location: Xp21.1.
Variant type: Duplication.
Coding change: c.525dup on transcript NM_000397.4 (MANE Select); coding-DNA position 525, one base duplicated (A; older notation c.525dupA).
Protein change: p.Gly176fs; shifts the reading frame from glycine 176.
Molecular consequence: frameshift variant.
Genome position (GRCh38, 1-based): chrX:37,795,992, A duplicated. VCF-style (leftmost placement, unchanged base first): chrX-37795991-C-CA. GRCh37 (hg19) VCF-style: chrX-37655244-C-CA.
Other names: short protein forms G176fs.
Identifiers: ClinVar variation 2839646 (VCV002839646.3), dbSNP rs2519201923, ClinGen allele CA2739273454.

ClinVar aggregate classification (germline): Pathogenic (1 of 4 stars; one submission).

Conditions:
Granulomatous disease, chronic, X-linked. Also called: CYTOCHROME b-NEGATIVE GRANULOMATOUS DISEASE, CHRONIC, X-LINKED; GRANULOMATOUS DISEASE, CHRONIC, X-LINKED, SOMATIC MOSAIC. Identifiers: Orphanet 379, MedGen C1844376, MONDO:0010600, OMIM 306400.

Submission:

Labcorp Genetics (formerly Invitae), Labcorp
Classification: Pathogenic for Granulomatous disease, chronic, X-linked. Last evaluated: 2023-02-21. Review status: criteria provided, single submitter. Criteria: Invitae Variant Classification Sherloc (09022015). Collection method: clinical testing. Allele origin: germline.
Comment: For these reasons, this variant has been classified as Pathogenic. Algorithms developed to predict the effect of sequence changes on RNA splicing suggest that this variant may disrupt the consensus splice site. This variant has not been reported in the literature in individuals affected with CYBB-related conditions. This variant is not present in population databases (gnomAD no frequency). This sequence change creates a premature translational stop signal (p.Gly176Argfs*28) in the CYBB gene. It is expected to result in an absent or disrupted protein product. Loss-of-function variants in CYBB are known to be pathogenic (PMID: 9585602, 20729109).

Literature cited by the submitters: PubMed 9585602; PubMed 20729109.